The following is an entry in ClinVar:

NM_001386135.1(AFF3):c.3351_3356dup (p.Pro1119_Met1120insSerPro)

Gene: AFF3 (ALF transcription elongation factor 3; minus strand). Cytogenetic location: 2q11.2.
Variant type: Duplication.
Coding change: c.3351_3356dup on transcript NM_001386135.1 (MANE Select); coding-DNA positions 3351 to 3356, 6 bases duplicated (ATCCCC; older notation c.3351_3356dupATCCCC).
Protein change: p.Pro1119_Met1120insSerPro.
Molecular consequence: inframe insertion.
Genome position (GRCh38, 1-based): chr2:99,554,514-99,554,519, GGGGAT duplicated on the plus strand (ATCCCC on the coding strand, the reverse complement: AFF3 is on the minus strand); duplicating any 6 consecutive bases within chr2:99,554,514-99,554,523 gives the same sequence; the c. name uses the placement nearest the transcript's 3' end. VCF-style (leftmost placement, unchanged base first): chr2-99554513-G-GGGGGAT. GRCh37 (hg19) VCF-style: chr2-100170975-G-GGGGGAT.
Other names: c.3426_3431dup, p.Pro1144_Met1145insSerPro (NM_001025108.2); c.3351_3356dup, p.Pro1119_Met1120insSerPro (NM_002285.3).
Identifiers: ClinVar variation 1697153 (VCV001697153.2), dbSNP rs2104497282, ClinGen allele CA2580068360.

ClinVar aggregate classification (germline): Uncertain significance (1 of 4 stars; one submission).

Submission:

GeneDx
Classification: Uncertain significance. Last evaluated: 2022-01-10. Review status: criteria provided, single submitter. Criteria: GeneDx Variant Classification Process June 2021. Collection method: clinical testing. Allele origin: germline. Affected: yes.
Comment: Not observed at significant frequency in large population cohorts (gnomAD); In-frame duplication of 2 amino acids in a non-repeat region; De novo variant with confirmed parentage; however, the reported clinical features are only partially consistent with the features typically observed in individuals with pathogenic variants in this gene; Has not been previously published as pathogenic or benign to our knowledge